The following is an entry in ClinVar:

NM_004360.5(CDH1):c.1039G>A (p.Ala347Thr)

Gene: CDH1 (cadherin 1; plus strand). Cytogenetic location: 16q22.1.
Variant type: single nucleotide variant.
Coding change: c.1039G>A on transcript NM_004360.5 (MANE Select); coding-DNA position 1039, G replaced by A.
Protein change: p.Ala347Thr; replaces alanine 347 with threonine.
Molecular consequence: missense variant. On other transcripts: 5 prime UTR variant (2).
Genome position (GRCh38, 1-based): chr16:68,812,165, G>A. VCF-style: chr16-68812165-G-A. GRCh37 (hg19) VCF-style: chr16-68846068-G-A.
Other names: c.1039G>A (LRG_301t1); c.1039G>A, p.Ala347Thr (NM_001317184.2); c.-577G>A (NM_001317185.2); c.-781G>A (NM_001317186.2); short protein forms A347T.
Identifiers: ClinVar variation 142984 (VCV000142984.15), dbSNP rs587782869, ClinGen allele CA169945.

ClinVar aggregate classification (germline): Uncertain significance. Review status: criteria provided, multiple submitters, no conflicts (2 of 4 stars). 2 submissions from 2 submitters: Uncertain significance (2). Last evaluated 2023-08-19.

Conditions:
Hereditary cancer-predisposing syndrome. Also called: Tumor predisposition; Neoplastic Syndromes, Hereditary; Hereditary neoplastic syndrome; Hereditary Cancer Syndrome. Identifiers: Orphanet 140162, MedGen C0027672, MeSH D009386, MONDO:0015356.
Hereditary diffuse gastric adenocarcinoma (HDGC). Also called: DIFFUSE GASTRIC AND LOBULAR BREAST CANCER SYNDROME. Identifiers: Orphanet 26106, MedGen C1708349, MONDO:0007648, OMIM 137215.

Allele frequency attached by ClinVar (database versions not stated): gnomAD exomes below 0.00001; ExAC 0.00001.
gnomAD v4.1: 2 of 1,614,206 alleles (0.00012%); highest among the groups gnomAD compares: Non-Finnish European, 0.00017%; no homozygotes.

Submissions (2):

Labcorp Genetics (formerly Invitae), Labcorp
Classification: Uncertain significance for Hereditary diffuse gastric adenocarcinoma. Last evaluated: 2023-08-19. Review status: criteria provided, single submitter. Criteria: Invitae Variant Classification Sherloc (09022015). Collection method: clinical testing. Allele origin: germline.
Comment: ClinVar contains an entry for this variant (Variation ID: 142984). In summary, the available evidence is currently insufficient to determine the role of this variant in disease. Therefore, it has been classified as a Variant of Uncertain Significance. An algorithm developed to predict the effect of missense changes on protein structure and function (PolyPhen-2) suggests that this variant is likely to be disruptive. This variant has not been reported in the literature in individuals affected with CDH1-related conditions. This variant is present in population databases (rs587782869, gnomAD 0.0009%). This sequence change replaces alanine, which is neutral and non-polar, with threonine, which is neutral and polar, at codon 347 of the CDH1 protein (p.Ala347Thr).

Ambry Genetics
Classification: Uncertain significance for Hereditary cancer-predisposing syndrome. Last evaluated: 2021-07-29. Review status: criteria provided, single submitter. Criteria: Ambry Variant Classification Scheme 2023. Collection method: clinical testing. Allele origin: germline.
Comment: The p.A347T variant (also known as c.1039G>A), located in coding exon 8 of the CDH1 gene, results from a G to A substitution at nucleotide position 1039. The alanine at codon 347 is replaced by threonine, an amino acid with similar properties. This amino acid position is highly conserved in available vertebrate species. In addition, this alteration is predicted to be deleterious by in silico analysis. Since supporting evidence is limited at this time, the clinical significance of this alteration remains unclear.